The following is an entry in ClinVar:

NM_001113378.2(FANCI):c.925A>G (p.Ser309Gly)

Gene: FANCI (FA complementation group I; plus strand). Cytogenetic location: 15q26.1.
Variant type: single nucleotide variant.
Coding change: c.925A>G on transcript NM_001113378.2 (MANE Select); coding-DNA position 925, A replaced by G.
Protein change: p.Ser309Gly; replaces serine 309 with glycine.
Molecular consequence: missense variant.
Genome position (GRCh38, 1-based): chr15:89,273,419, A>G. VCF-style: chr15-89273419-A-G. GRCh37 (hg19) VCF-style: chr15-89816650-A-G.
Other names: c.646A>G, p.Ser216Gly (NM_001376910.1); c.925A>G, p.Ser309Gly (NM_001376911.1, NM_018193.3); short protein forms S216G, S309G.
Identifiers: ClinVar variation 1520179 (VCV001520179.6), dbSNP rs1184166680, ClinGen allele CA393741373.

ClinVar aggregate classification (germline): Uncertain significance. Review status: criteria provided, multiple submitters, no conflicts (2 of 4 stars). 2 submissions from 2 submitters: Uncertain significance (2). Last evaluated 2024-01-04.

Conditions:
Fanconi anemia complementation group I (FANCI). Also called: FANCI-Related Fanconi Anemia. Identifiers: Orphanet 84, MedGen C1836861, MONDO:0012186, OMIM 609053.
Fanconi anemia (FA). Also called: Fanconi's anemia. Identifiers: Orphanet 84, MedGen C0015625, MeSH D005199, MONDO:0019391.

Allele frequency attached by ClinVar (database versions not stated): gnomAD 0.00001.
gnomAD v4.1: 1 of 1,609,412 alleles (0.000062%); highest among the groups gnomAD compares: Admixed American, 0.0017%; no homozygotes.

Submissions (2):

Fulgent Genetics
Classification: Uncertain significance for Fanconi anemia complementation group I. Last evaluated: 2024-01-04. Review status: criteria provided, single submitter. Criteria: ACMG Guidelines, 2015. Collection method: clinical testing. Allele origin: germline.

Labcorp Genetics (formerly Invitae), Labcorp
Classification: Uncertain significance for Fanconi anemia. Last evaluated: 2022-08-15. Review status: criteria provided, single submitter. Criteria: Invitae Variant Classification Sherloc (09022015). Collection method: clinical testing. Allele origin: germline.
Comment: This sequence change replaces serine, which is neutral and polar, with glycine, which is neutral and non-polar, at codon 309 of the FANCI protein (p.Ser309Gly). This variant is present in population databases (no rsID available, gnomAD 0.1%). This variant has not been reported in the literature in individuals affected with FANCI-related conditions. ClinVar contains an entry for this variant (Variation ID: 1520179). Algorithms developed to predict the effect of missense changes on protein structure and function (SIFT, PolyPhen-2, Align-GVGD) all suggest that this variant is likely to be tolerated. In summary, the available evidence is currently insufficient to determine the role of this variant in disease. Therefore, it has been classified as a Variant of Uncertain Significance.